The following is an entry in ClinVar:

ClinVar aggregate classification (germline): Uncertain significance. Review status: criteria provided, multiple submitters, no conflicts (2 of 4 stars). 2 submissions from 2 submitters: Uncertain significance (2). Last evaluated 2025-12-09.

Conditions:
Glanzmann thrombasthenia. Also called: PLATELET GLYCOPROTEIN IIb-IIIa DEFICIENCY; BLEEDING DISORDER, PLATELET-TYPE, 2; THROMBASTHENIA OF GLANZMANN AND NAEGELI; Glanzmann's thrombasthenia; Thrombasthenia. Identifiers: Orphanet 849, MedGen C0040015, MONDO:0100326.

Submissions (2):

Labcorp Genetics (formerly Invitae), Labcorp
Classification: Uncertain significance for Glanzmann thrombasthenia. Last evaluated: 2025-12-09. Review status: criteria provided, single submitter. Criteria: Invitae Variant Classification Sherloc (09022015). Collection method: clinical testing. Allele origin: germline.
Comment: This sequence change replaces arginine, which is basic and polar, with cysteine, which is neutral and slightly polar, at codon 312 of the ITGA2B protein (p.Arg312Cys). This variant is not present in population databases (gnomAD no frequency). This variant has not been reported in the literature in individuals affected with ITGA2B-related conditions. Invitae Evidence Modeling of protein sequence and biophysical properties (such as structural, functional, and spatial information, amino acid conservation, physicochemical variation, residue mobility, and thermodynamic stability) has been performed for this missense variant. However, the output from this modeling did not meet the statistical confidence thresholds required to predict the impact of this variant on ITGA2B protein function. In summary, the available evidence is currently insufficient to determine the role of this variant in disease. Therefore, it has been classified as a Variant of Uncertain Significance.

GeneDx
Classification: Uncertain significance. Last evaluated: 2025-04-23. Review status: criteria provided, single submitter. Criteria: GeneDx Variant Classification Process June 2021. Collection method: clinical testing. Allele origin: germline. Affected: yes.
Comment: Not observed at significant frequency in large population cohorts (gnomAD); In silico analysis indicates that this missense variant does not alter protein structure/function; Has not been previously published as pathogenic or benign to our knowledge

NM_000419.5(ITGA2B):c.934C>T (p.Arg312Cys)

Gene: ITGA2B (integrin subunit alpha 2b; minus strand). Cytogenetic location: 17q21.31.
Variant type: single nucleotide variant.
Coding change: c.934C>T on transcript NM_000419.5 (MANE Select); coding-DNA position 934, C replaced by T.
Protein change: p.Arg312Cys; replaces arginine 312 with cysteine.
Molecular consequence: missense variant.
Genome position (GRCh38, 1-based): chr17:44,384,096, G>A on the plus strand (C>T on the coding strand, the complement: ITGA2B is on the minus strand). VCF-style: chr17-44384096-G-A. GRCh37 (hg19) VCF-style: chr17-42461464-G-A.
Other names: short protein forms R312C.
Identifiers: ClinVar variation 4527169 (VCV004527169.2).